The following is an entry in ClinVar:

ClinVar aggregate classification (germline): Benign. Review status: criteria provided, multiple submitters, no conflicts (2 of 4 stars). 3 submissions from 3 submitters: Benign (3). Last evaluated 2018-12-24.

Conditions:
Peroxisome biogenesis disorder 2A (Zellweger) (PBD2A). Also called: Cerebrohepatorenal syndrome, variant types. Identifiers: Orphanet 912, MedGen C3550273, MONDO:0008954, OMIM 214110.

Allele frequency attached by ClinVar (database versions not stated): 1000 Genomes Project 30x 0.03607; 1000 Genomes Project 0.03654; gnomAD 0.07675 and 0.07875; TOPMed 0.07855.
gnomAD v4.1: 149,661 of 1,502,774 alleles (10%); highest among the groups gnomAD compares: Middle Eastern, 15%; 8,505 homozygotes.

Submissions (3):

GeneDx
Classification: Benign. Last evaluated: 2018-12-24. Review status: criteria provided, single submitter. Criteria: GeneDx Variant Classification Process June 2021. Collection method: clinical testing. Allele origin: germline. Affected: yes.

Illumina Laboratory Services, Illumina
Classification: Benign for Peroxisome biogenesis disorder 2A (Zellweger). Last evaluated: 2018-01-12. Review status: criteria provided, single submitter. Criteria: ICSL Variant Classification Criteria 13 December 2019. Collection method: clinical testing. Allele origin: germline.
Comment: This variant was observed in the ICSL laboratory as part of a predisposition screen in an ostensibly healthy population. It had not been previously curated by ICSL or reported in the Human Gene Mutation Database (HGMD: prior to June 1st, 2018), and was therefore a candidate for classification through an automated scoring system. Utilizing variant allele frequency, disease prevalence and penetrance estimates, and inheritance mode, an automated score was calculated to assess if this variant is too frequent to cause the disease. Based on the score and internal cut-off values, a variant classified as benign is not then subjected to further curation. The score for this variant resulted in a classification of benign for this disease.

Breakthrough Genomics
Classification: Benign. Review status: criteria provided, single submitter. Criteria: ACMG Guidelines, 2015. Collection method: not provided. Allele origin: germline. Inheritance: Autosomal recessive inheritance. Affected: yes.

NM_001351132.2(PEX5):c.-17+290T>A

Gene: PEX5 (peroxisomal biogenesis factor 5; plus strand). Cytogenetic location: 12p13.31.
Variant type: single nucleotide variant.
Coding change: c.-17+290T>A on transcript NM_001351132.2 (MANE Select); 290 bases into the intron after 17 bases upstream of the start codon, T replaced by A.
Molecular consequence: intron variant. On other transcripts: 5 prime UTR variant (9).
Genome position (GRCh38, 1-based): chr12:7,190,040, T>A. VCF-style: chr12-7190040-T-A. GRCh37 (hg19) VCF-style: chr12-7342636-T-A.
Other names: c.-193T>A (NM_001131025.2, NM_001131026.2, NM_001351127.2 and 3 more transcripts); c.-338T>A (NM_001374647.2, NM_001374648.2, NM_001374649.2); c.-16-322T>A (NM_001351124.3, NM_001351131.2, NM_001351126.2); c.-17+290T>A (NM_001374646.1, NM_001131023.2, NM_001351138.2 and 4 more transcripts); c.-17+60T>A (NM_001351135.3, NM_001300789.3, NM_001351137.3); c.-89-249T>A (NM_001351134.2, NM_001351128.2); c.-15+290T>A (NM_001374645.1).
Identifiers: ClinVar variation 310415 (VCV000310415.7), dbSNP rs113752912, ClinGen allele CA10633527.